The following is an entry in ClinVar:

ClinVar aggregate classification (germline): Uncertain significance (1 of 4 stars; one submission).

Conditions:
MHC class II deficiency. Also called: BLS, TYPE II; Bare lymphocyte syndrome 2. Identifiers: Orphanet 572, MedGen C5447452, MONDO:0008855.

Allele frequency attached by ClinVar (database versions not stated): gnomAD exomes below 0.00001; TOPMed 0.00002; gnomAD 0.00003.
gnomAD v4.1: 10 of 1,613,936 alleles (0.00062%); highest among the groups gnomAD compares: Non-Finnish European, 0.00085%; no homozygotes.

Submission:

Labcorp Genetics (formerly Invitae), Labcorp
Classification: Uncertain significance for MHC class II deficiency. Last evaluated: 2021-08-28. Review status: criteria provided, single submitter. Criteria: Invitae Variant Classification Sherloc (09022015). Collection method: clinical testing. Allele origin: germline.
Comment: This sequence change replaces isoleucine with valine at codon 979 of the CIITA protein (p.Ile979Val). The isoleucine residue is highly conserved and there is a small physicochemical difference between isoleucine and valine. This variant is not present in population databases (ExAC no frequency). This variant has not been reported in the literature in individuals affected with CIITA-related conditions. Algorithms developed to predict the effect of missense changes on protein structure and function output the following: SIFT: "Tolerated"; PolyPhen-2: "Benign"; Align-GVGD: "Class C0". The valine amino acid residue is found in multiple mammalian species, which suggests that this missense change does not adversely affect protein function. In summary, the available evidence is currently insufficient to determine the role of this variant in disease. Therefore, it has been classified as a Variant of Uncertain Significance.

NM_000246.4(CIITA):c.2935A>G (p.Ile979Val)

Gene: CIITA (class II major histocompatibility complex transactivator; plus strand). Cytogenetic location: 16p13.13.
Variant type: single nucleotide variant.
Coding change: c.2935A>G on transcript NM_000246.4 (MANE Select); coding-DNA position 2935, A replaced by G.
Protein change: p.Ile979Val; replaces isoleucine 979 with valine.
Molecular consequence: missense variant. On other transcripts: non-coding transcript variant (1).
Genome position (GRCh38, 1-based): chr16:10,915,616, A>G. VCF-style: chr16-10915616-A-G. GRCh37 (hg19) VCF-style: chr16-11009473-A-G.
Other names: c.2938A>G, p.Ile980Val (NM_001286402.1, NM_001379332.1); c.1183A>G, p.Ile395Val (NM_001286403.2); c.2791A>G, p.Ile931Val (NM_001379330.1); c.2788A>G, p.Ile930Val (NM_001379331.1); c.2935A>G, p.Ile979Val (NM_001379333.1); c.2866A>G, p.Ile956Val (NM_001379334.1); short protein forms I931V, I395V, I956V, I979V, I930V, I980V.
Identifiers: ClinVar variation 1435069 (VCV001435069.5), dbSNP rs1035273831, ClinGen allele CA277688103.